The following is an entry in ClinVar:

NM_005391.5(PDK3):c.149G>A (p.Arg50Gln)

Gene: PDK3 (pyruvate dehydrogenase kinase 3; plus strand). Cytogenetic location: Xp22.11.
Variant type: single nucleotide variant.
Coding change: c.149G>A on transcript NM_005391.5 (MANE Select); coding-DNA position 149, G replaced by A.
Protein change: p.Arg50Gln; replaces arginine 50 with glutamine.
Molecular consequence: missense variant.
Genome position (GRCh38, 1-based): chrX:24,494,784, G>A. VCF-style: chrX-24494784-G-A. GRCh37 (hg19) VCF-style: chrX-24512901-G-A.
Other names: c.149G>A, p.Arg50Gln (NM_001142386.3); short protein forms R50Q.
Identifiers: ClinVar variation 937678 (VCV000937678.10), dbSNP rs757407648, ClinGen allele CA10372232.

ClinVar aggregate classification (germline): Uncertain significance. Review status: criteria provided, multiple submitters, no conflicts (2 of 4 stars). 2 submissions from 2 submitters: Uncertain significance (2). Last evaluated 2025-10-04.

Conditions:
Charcot-Marie-Tooth disease X-linked dominant 6. Also called: CHARCOT-MARIE-TOOTH NEUROPATHY, X-LINKED DOMINANT, 6. Identifiers: Orphanet 352675, MedGen C3806702, MONDO:0010479, OMIM 300905.
PDK3-related disorder. Also called: PDK3-related condition.

Allele frequency attached by ClinVar (database versions not stated): gnomAD 0.00001.
gnomAD v4.1: 6 of 1,195,905 alleles (0.0005%); highest among the groups gnomAD compares: South Asian, 0.0018%; no homozygotes.

Submissions (2):

PreventionGenetics, part of Exact Sciences
Classification: Uncertain significance for PDK3-related condition. Last evaluated: 2025-10-04. Review status: criteria provided, single submitter. Criteria: ACMG Guidelines, 2015. Collection method: clinical testing. Allele origin: germline.
Comment: The PDK3 c.149G>A variant is predicted to result in the amino acid substitution p.Arg50Gln. To our knowledge, this variant has not been reported in the literature. This variant is reported in 0.0022% of alleles in individuals of European (non-Finnish) descent in gnomAD, including one hemizygote. At this time, the clinical significance of this variant is uncertain due to the absence of conclusive functional and genetic evidence.

Labcorp Genetics (formerly Invitae), Labcorp
Classification: Uncertain significance for Charcot-Marie-Tooth disease X-linked dominant 6. Last evaluated: 2024-01-25. Review status: criteria provided, single submitter. Criteria: Invitae Variant Classification Sherloc (09022015). Collection method: clinical testing. Allele origin: germline.
Comment: This sequence change replaces arginine, which is basic and polar, with glutamine, which is neutral and polar, at codon 50 of the PDK3 protein (p.Arg50Gln). This variant is present in population databases (rs757407648, gnomAD 0.002%), including at least one homozygous and/or hemizygous individual. This variant has not been reported in the literature in individuals affected with PDK3-related conditions. ClinVar contains an entry for this variant (Variation ID: 937678). Advanced modeling of protein sequence and biophysical properties (such as structural, functional, and spatial information, amino acid conservation, physicochemical variation, residue mobility, and thermodynamic stability) performed at Invitae indicates that this missense variant is not expected to disrupt PDK3 protein function with a negative predictive value of 80%. In summary, the available evidence is currently insufficient to determine the role of this variant in disease. Therefore, it has been classified as a Variant of Uncertain Significance.